The following is an entry in ClinVar:

NM_004171.4(SLC1A2):c.1496C>A (p.Ser499Tyr)

Gene: SLC1A2 (solute carrier family 1 member 2; minus strand). Cytogenetic location: 11p13.
Variant type: single nucleotide variant.
Coding change: c.1496C>A on transcript NM_004171.4 (MANE Select); coding-DNA position 1496, C replaced by A.
Protein change: p.Ser499Tyr; replaces serine 499 with tyrosine.
Molecular consequence: missense variant.
Genome position (GRCh38, 1-based): chr11:35,265,684, G>T on the plus strand (C>A on the coding strand, the complement: SLC1A2 is on the minus strand). VCF-style: chr11-35265684-G-T. GRCh37 (hg19) VCF-style: chr11-35287231-G-T.
Other names: c.1469C>A, p.Ser490Tyr (NM_001195728.3, NM_001252652.2); short protein forms S490Y, S499Y.
Identifiers: ClinVar variation 1450020 (VCV001450020.6), dbSNP rs2134611324, ClinGen allele CA380118914.

ClinVar aggregate classification (germline): Uncertain significance (1 of 4 stars; one submission).

Submission:

Labcorp Genetics (formerly Invitae), Labcorp
Classification: Uncertain significance. Last evaluated: 2022-07-05. Review status: criteria provided, single submitter. Criteria: Invitae Variant Classification Sherloc (09022015). Collection method: clinical testing. Allele origin: germline.
Comment: In summary, the available evidence is currently insufficient to determine the role of this variant in disease. Therefore, it has been classified as a Variant of Uncertain Significance. Algorithms developed to predict the effect of missense changes on protein structure and function (SIFT, PolyPhen-2, Align-GVGD) all suggest that this variant is likely to be tolerated. ClinVar contains an entry for this variant (Variation ID: 1450020). This variant has not been reported in the literature in individuals affected with SLC1A2-related conditions. This variant is not present in population databases (gnomAD no frequency). This sequence change replaces serine, which is neutral and polar, with tyrosine, which is neutral and polar, at codon 499 of the SLC1A2 protein (p.Ser499Tyr).